The following is an entry in ClinVar:

NM_138967.4(SCAMP5):c.203C>T (p.Ala68Val)

Gene: SCAMP5 (secretory carrier membrane protein 5; plus strand). Cytogenetic location: 15q24.2.
Variant type: single nucleotide variant.
Coding change: c.203C>T on transcript NM_138967.4 (MANE Select); coding-DNA position 203, C replaced by T.
Protein change: p.Ala68Val; replaces alanine 68 with valine.
Molecular consequence: missense variant.
Genome position (GRCh38, 1-based): chr15:75,016,659, C>T. VCF-style: chr15-75016659-C-T. GRCh37 (hg19) VCF-style: chr15-75309000-C-T.
Other names: c.203C>T, p.Ala68Val (NM_001178111.2, NM_001178112.2); short protein forms A68V.
Identifiers: ClinVar variation 4535189 (VCV004535189.6).
Genomic context (GRCh38, chr15:75,016,659, plus strand): 5'-GCGTCACGCTGGCCGTGAACCTGGTGGGCTGTCTCGCGTGGCTGATCGGAGGCGGGGGAG[C>T]CACCAACTTTGGCCTCGCCTTTCTCTGGCTCATCCTCTTCACACCCTGCTCCTACGTCTG-3'
Protein context (NP_620417.1, residues 58-78): CLAWLIGGGG[Ala68Val]TNFGLAFLWL

ClinVar aggregate classification (germline): Uncertain significance (1 of 4 stars; one submission).

Submission:

CeGaT Center for Human Genetics Tuebingen
Classification: Uncertain significance. Last evaluated: 2025-11-01. Review status: criteria provided, single submitter. Criteria: CeGaT Center For Human Genetics Tuebingen Variant Classification Criteria Version 2. Collection method: clinical testing. Allele origin: germline. Affected: yes. Observed: 1 variant allele.
Comment: SCAMP5: PM2